The following is an entry in ClinVar:

NM_013275.6(ANKRD11):c.7979T>C (p.Leu2660Ser)

Gene: ANKRD11 (ankyrin repeat domain 11; minus strand). Cytogenetic location: 16q24.3.
Variant type: single nucleotide variant.
Coding change: c.7979T>C on transcript NM_013275.6 (MANE Select); coding-DNA position 7979, T replaced by C.
Protein change: p.Leu2660Ser; replaces leucine 2660 with serine.
Molecular consequence: missense variant.
Genome position (GRCh38, 1-based): chr16:89,268,491, A>G on the plus strand (T>C on the coding strand, the complement: ANKRD11 is on the minus strand). VCF-style: chr16-89268491-A-G. GRCh37 (hg19) VCF-style: chr16-89334899-A-G.
Other names: c.7979T>C, p.Leu2660Ser (NM_001256182.2, NM_001256183.2); short protein forms L2660S.
Identifiers: ClinVar variation 1708398 (VCV001708398.3), dbSNP rs2544116538, ClinGen allele CA397144915.
Genomic context (GRCh38, chr16:89,268,491, plus strand): 5'-GGGCAGCCGTGCGGCCCTCGCCTGCGTCCTGCGGCCGTCCCGCGGTGTCATGCCGGCAAC[A>G]ATACAAAGTCGTCGTTGACGTCGACCATGGGCACGTAGAAGGAGGGCACCTCGTTCACGC-3'
Protein context (NP_037407.4, residues 2650-2663): PMVDVNDDFV[Leu2660Ser]LPA

ClinVar aggregate classification (germline): Uncertain significance (1 of 4 stars; one submission).

Submission:

Centre of Medical Genetics, University Hospital Muenster
Classification: Uncertain significance. Last evaluated: 2022-08-17. Review status: criteria provided, single submitter. Criteria: ACMG Guidelines, 2015. Collection method: clinical testing. Allele origin: unknown. Affected: yes. Observed: 1 variant allele, 1 heterozygote.
Comment: ACMG categories: PM2,PP3,BP1